The following is an entry in ClinVar:

NM_015295.3(SMCHD1):c.3125T>A (p.Phe1042Tyr)

Gene: SMCHD1 (structural maintenance of chromosomes flexible hinge domain containing 1; plus strand). Cytogenetic location: 18p11.32.
Variant type: single nucleotide variant.
Coding change: c.3125T>A on transcript NM_015295.3 (MANE Select); coding-DNA position 3125, T replaced by A.
Protein change: p.Phe1042Tyr; replaces phenylalanine 1042 with tyrosine.
Molecular consequence: missense variant.
Genome position (GRCh38, 1-based): chr18:2,732,341, T>A. VCF-style: chr18-2732341-T-A. GRCh37 (hg19) VCF-style: chr18-2732339-T-A.
Other names: short protein forms F1042Y.
Identifiers: ClinVar variation 2730306 (VCV002730306.3), dbSNP rs772491920, ClinGen allele CA8871141.

ClinVar aggregate classification (germline): Uncertain significance (1 of 4 stars; one submission).

Conditions:
Facioscapulohumeral muscular dystrophy 2 (FSHD2). Also called: MUSCULAR DYSTROPHY, FACIOSCAPULOHUMERAL, TYPE 1B; FACIOSCAPULOHUMERAL MUSCULAR DYSTROPHY 2, DIGENIC; FSHD2, DIGENIC. Identifiers: Orphanet 269, MedGen C1834671, MONDO:0008031, OMIM 158901.

Allele frequency attached by ClinVar (database versions not stated): gnomAD exomes 0.00001; ExAC 0.00002; gnomAD 0.00003; TOPMed 0.00003.
gnomAD v4.1: 22 of 1,613,742 alleles (0.0014%); highest among the groups gnomAD compares: African/African-American, 0.004%; no homozygotes.

Submission:

Labcorp Genetics (formerly Invitae), Labcorp
Classification: Uncertain significance for Facioscapulohumeral muscular dystrophy 2. Last evaluated: 2023-01-15. Review status: criteria provided, single submitter. Criteria: Invitae Variant Classification Sherloc (09022015). Collection method: clinical testing. Allele origin: germline.
Comment: In summary, the available evidence is currently insufficient to determine the role of this variant in disease. Therefore, it has been classified as a Variant of Uncertain Significance. Advanced modeling of protein sequence and biophysical properties (such as structural, functional, and spatial information, amino acid conservation, physicochemical variation, residue mobility, and thermodynamic stability) performed at Invitae indicates that this missense variant is not expected to disrupt SMCHD1 protein function. This variant has not been reported in the literature in individuals affected with SMCHD1-related conditions. This variant is present in population databases (rs772491920, gnomAD 0.007%). This sequence change replaces phenylalanine, which is neutral and non-polar, with tyrosine, which is neutral and polar, at codon 1042 of the SMCHD1 protein (p.Phe1042Tyr).